The following is an entry in ClinVar:

ClinVar aggregate classification (germline): Uncertain significance. Review status: criteria provided, multiple submitters, no conflicts (2 of 4 stars). 2 submissions from 2 submitters: Uncertain significance (2). Last evaluated 2025-08-13.

Conditions:
Inborn genetic diseases. Identifiers: MedGen C0950123, MeSH D030342.

Allele frequency attached by ClinVar (database versions not stated): gnomAD 0.00001 and 0.00003; TOPMed 0.00002; gnomAD exomes 0.00004 and 0.00007; ExAC 0.00006.
gnomAD v4.1: 110 of 1,613,786 alleles (0.0068%); highest among the groups gnomAD compares: Non-Finnish European, 0.0088%; no homozygotes.

Submissions (2):

Labcorp Genetics (formerly Invitae), Labcorp
Classification: Uncertain significance. Last evaluated: 2025-08-13. Review status: criteria provided, single submitter. Criteria: Invitae Variant Classification Sherloc (09022015). Collection method: clinical testing. Allele origin: germline.
Comment: This sequence change replaces alanine, which is neutral and non-polar, with valine, which is neutral and non-polar, at codon 34 of the CAPN5 protein (p.Ala34Val). This variant is present in population databases (rs782469382, gnomAD 0.008%). This variant has not been reported in the literature in individuals affected with CAPN5-related conditions. ClinVar contains an entry for this variant (Variation ID: 848814). Invitae Evidence Modeling of protein sequence and biophysical properties (such as structural, functional, and spatial information, amino acid conservation, physicochemical variation, residue mobility, and thermodynamic stability) indicates that this missense variant is not expected to disrupt CAPN5 protein function with a negative predictive value of 80%. In summary, the available evidence is currently insufficient to determine the role of this variant in disease. Therefore, it has been classified as a Variant of Uncertain Significance.

Ambry Genetics
Classification: Uncertain significance for Inborn genetic diseases. Last evaluated: 2025-01-18. Review status: criteria provided, single submitter. Criteria: Ambry Variant Classification Scheme 2023. Collection method: clinical testing. Allele origin: germline.

NM_004055.5(CAPN5):c.101C>T (p.Ala34Val)

Gene: CAPN5 (calpain 5; plus strand). Cytogenetic location: 11q13.5.
Variant type: single nucleotide variant.
Coding change: c.101C>T on transcript NM_004055.5 (MANE Select); coding-DNA position 101, C replaced by T.
Protein change: p.Ala34Val; replaces alanine 34 with valine.
Molecular consequence: missense variant.
Genome position (GRCh38, 1-based): chr11:77,084,987, C>T. VCF-style: chr11-77084987-C-T. GRCh37 (hg19) VCF-style: chr11-76796033-C-T.
Other names: short protein forms A34V.
Identifiers: ClinVar variation 848814 (VCV000848814.10), dbSNP rs782469382, ClinGen allele CA6196110.